The following is an entry in ClinVar:

ClinVar aggregate classification (germline): Uncertain significance (1 of 4 stars; one submission).

Allele frequency attached by ClinVar (database versions not stated): gnomAD exomes below 0.00001.
gnomAD v4.1: 1 of 1,613,964 alleles (0.000062%); highest among the groups gnomAD compares: Admixed American, 0.0017%; no homozygotes.

Submission:

Labcorp Genetics (formerly Invitae), Labcorp
Classification: Uncertain significance. Last evaluated: 2025-11-12. Review status: criteria provided, single submitter. Criteria: Invitae Variant Classification Sherloc (09022015). Collection method: clinical testing. Allele origin: germline.
Comment: This sequence change replaces aspartic acid, which is acidic and polar, with tyrosine, which is neutral and polar, at codon 21 of the DDX58 protein (p.Asp21Tyr). This variant is present in population databases (no rsID available, gnomAD 0.003%). This variant has not been reported in the literature in individuals affected with DDX58-related conditions. ClinVar contains an entry for this variant (Variation ID: 1360706). An algorithm developed to predict the effect of missense changes on protein structure and function (PolyPhen-2) suggests that this variant is likely to be disruptive. In summary, the available evidence is currently insufficient to determine the role of this variant in disease. Therefore, it has been classified as a Variant of Uncertain Significance.

NM_014314.4(RIGI):c.61G>T (p.Asp21Tyr)

Genes: RIGI (RNA sensor RIG-I; minus strand), LOC130001628 (ATAC-STARR-seq lymphoblastoid active region 28262; plus strand). Cytogenetic location: 9p21.1.
Variant type: single nucleotide variant.
Coding change: c.61G>T on transcript NM_014314.4 (MANE Select); coding-DNA position 61, G replaced by T.
Protein change: p.Asp21Tyr; replaces aspartic acid 21 with tyrosine.
Molecular consequence: missense variant. On other transcripts: 5 prime UTR variant (3).
Genome position (GRCh38, 1-based): chr9:32,526,106, C>A on the plus strand (G>T on the coding strand, the complement: RIGI is on the minus strand). VCF-style: chr9-32526106-C-A. GRCh37 (hg19) VCF-style: chr9-32526104-C-A.
Other names: c.61G>T, p.Asp21Tyr (NM_001385907.1, NM_001385909.1, NM_001385913.1); c.-394G>T (NM_001385910.1, NM_001385914.1); c.-401G>T (NM_001385912.1); short protein forms D21Y.
Identifiers: ClinVar variation 1360706 (VCV001360706.8), dbSNP rs1168928791, ClinGen allele CA373150965.